The following is an entry in ClinVar:

NM_001206999.2(CIT):c.4068C>T (p.Ile1356=)

Gene: CIT (citron rho-interacting serine/threonine kinase; minus strand). Cytogenetic location: 12q24.23.
Variant type: single nucleotide variant.
Coding change: c.4068C>T on transcript NM_001206999.2 (MANE Select); coding-DNA position 4068, C replaced by T.
Protein change: p.Ile1356=; no amino-acid change (isoleucine 1356 retained).
Molecular consequence: synonymous variant.
Genome position (GRCh38, 1-based): chr12:119,718,345, G>A on the plus strand (C>T on the coding strand, the complement: CIT is on the minus strand). VCF-style: chr12-119718345-G-A. GRCh37 (hg19) VCF-style: chr12-120156150-G-A.
Other names: c.3942C>T, p.Ile1314= (NM_007174.3).
Identifiers: ClinVar variation 721637 (VCV000721637.13), dbSNP rs56006347, ClinGen allele CA6821351.
Genomic context (GRCh38, chr12:119,718,345, plus strand): 5'-GGCCAGCAGGCTCATGGCACTGGGCTGGTGCTCTGGCGACCGCACGATGGCGGACATGGC[G>A]ATCTGCTGCCTCGCGGTGGCTGGCGTGGATGGGTGTGGGTGGTCCGTTGCTTTGCGGTGG-3'
Protein context (NP_001193928.1, residues 1346-1366): PSTPATARQQ[Ile1356=]AMSAIVRSPE

ClinVar aggregate classification (germline): Benign/Likely benign. Review status: criteria provided, multiple submitters, no conflicts (2 of 4 stars). 5 submissions from 5 submitters: Benign (4); Likely benign (1). Last evaluated 2025-05-21.

Conditions:
CIT-related disorder. Also called: CIT-related condition.

Allele frequency attached by ClinVar (database versions not stated): TOPMed 0.00006; 1000 Genomes Project 30x 0.00547; 1000 Genomes Project 0.00619.
gnomAD v4.1: 1,678 of 1,614,100 alleles (0.1%); highest among the groups gnomAD compares: South Asian, 1.7%; 35 homozygotes.

Submissions (5):

PreventionGenetics, part of Exact Sciences
Classification: Benign for CIT-related condition. Last evaluated: 2025-05-21. Review status: criteria provided, single submitter. Criteria: ACMG Guidelines, 2015. Collection method: clinical testing. Allele origin: germline.
Comment: This variant is classified as benign based on ACMG/AMP sequence variant interpretation guidelines (Richards et al. 2015 PMID: 25741868, with internal and published modifications).

Labcorp Genetics (formerly Invitae), Labcorp
Classification: Benign. Last evaluated: 2024-12-09. Review status: criteria provided, single submitter. Criteria: Invitae Variant Classification Sherloc (09022015). Collection method: clinical testing. Allele origin: germline.

GeneDx
Classification: Likely benign. Last evaluated: 2023-06-12. Review status: criteria provided, single submitter. Criteria: GeneDx Variant Classification Process June 2021. Collection method: clinical testing. Allele origin: germline. Affected: yes.
Comment: See Variant Classification Assertion Criteria.

Genetic Services Laboratory, University of Chicago
Classification: Benign. Last evaluated: 2017-07-11. Review status: criteria provided, single submitter. Criteria: ACMG Guidelines, 2015. Collection method: clinical testing. Allele origin: germline. Affected: no.

Breakthrough Genomics
Classification: Benign. Review status: criteria provided, single submitter. Criteria: ACMG Guidelines, 2015. Collection method: not provided. Allele origin: germline. Inheritance: Autosomal recessive inheritance. Affected: yes.